The following is an entry in ClinVar:

NM_176869.3(PPA2):c.950C>T (p.Ser317Leu)

Gene: PPA2 (inorganic pyrophosphatase 2; minus strand). Cytogenetic location: 4q24.
Variant type: single nucleotide variant.
Coding change: c.950C>T on transcript NM_176869.3 (MANE Select); coding-DNA position 950, C replaced by T.
Protein change: p.Ser317Leu; replaces serine 317 with leucine.
Molecular consequence: missense variant.
Genome position (GRCh38, 1-based): chr4:105,370,863, G>A on the plus strand (C>T on the coding strand, the complement: PPA2 is on the minus strand). VCF-style: chr4-105370863-G-A. GRCh37 (hg19) VCF-style: chr4-106292020-G-A.
Other names: c.863C>T, p.Ser288Leu (NM_006903.4); c.644C>T, p.Ser215Leu (NM_176866.2); c.452C>T, p.Ser151Leu (NM_176867.3); short protein forms S215L, S288L, S151L, S317L.
Identifiers: ClinVar variation 1394249 (VCV001394249.7), dbSNP rs2110355879, ClinGen allele CA357787539.

ClinVar aggregate classification (germline): Uncertain significance (1 of 4 stars; one submission).

Submission:

Labcorp Genetics (formerly Invitae), Labcorp
Classification: Uncertain significance. Last evaluated: 2021-05-09. Review status: criteria provided, single submitter. Criteria: Invitae Variant Classification Sherloc (09022015). Collection method: clinical testing. Allele origin: germline.
Comment: This variant has not been reported in the literature in individuals with PPA2-related conditions. This variant is not present in population databases (ExAC no frequency). This sequence change replaces serine with leucine at codon 317 of the PPA2 protein (p.Ser317Leu). The serine residue is weakly conserved and there is a large physicochemical difference between serine and leucine. In summary, the available evidence is currently insufficient to determine the role of this variant in disease. Therefore, it has been classified as a Variant of Uncertain Significance. Algorithms developed to predict the effect of missense changes on protein structure and function (SIFT, PolyPhen-2, Align-GVGD) all suggest that this variant is likely to be tolerated, but these predictions have not been confirmed by published functional studies and their clinical significance is uncertain.